The following is an entry in ClinVar:

ClinVar aggregate classification (germline): Conflicting classifications of pathogenicity. Review status: criteria provided, conflicting classifications (1 of 4 stars). 5 submissions from 3 submitters: Uncertain significance (2); Benign (1); Likely benign (2). Last evaluated 2025-12-19.

Conditions:
Permanent neonatal diabetes mellitus (PNDM). Identifiers: Orphanet 99885, MedGen C1833104, MONDO:0100164, MONDO:0011643. Disease mechanism: gain of function.
Diabetes mellitus, transient neonatal, 2 (TNDM2). Identifiers: Orphanet 99886, MedGen C1835887, MONDO:0012480, OMIM 610374. Disease mechanism: loss of function.
Hyperinsulinemic hypoglycemia, familial, 1 (HHF1). Also called: HYPERINSULINISM, FAMILIAL, WITH PANCREATIC NESIDIOBLASTOSIS; HYPOGLYCEMIA, HYPERINSULINEMIC, OF INFANCY; NESIDIOBLASTOSIS OF PANCREAS; Persistent hyperinsulinemic hypoglycemia of infancy; Persistent Hyperinsulinemia Hypoglycemia of Infancy. Identifiers: Orphanet 276575, Orphanet 276598, MedGen C2931832, MONDO:0009734, OMIM 256450.

Allele frequency attached by ClinVar (database versions not stated): gnomAD exomes 0.00005 and 0.00023; gnomAD 0.00007 and 0.00008; ExAC 0.00011; TOPMed 0.00011.
gnomAD v4.1: 75 of 1,614,068 alleles (0.0046%); highest among the groups gnomAD compares: Admixed American, 0.12%; 1 homozygote.

Submissions (5):

Labcorp Genetics (formerly Invitae), Labcorp
Classification: Likely benign. Last evaluated: 2025-12-19. Review status: criteria provided, single submitter. Criteria: Invitae Variant Classification Sherloc (09022015). Collection method: clinical testing. Allele origin: germline.

CeGaT Center for Human Genetics Tuebingen
Classification: Likely benign. Last evaluated: 2025-11-01. Review status: criteria provided, single submitter. Criteria: CeGaT Center For Human Genetics Tuebingen Variant Classification Criteria Version 2. Collection method: clinical testing. Allele origin: germline. Affected: yes. Observed: 1 variant allele.
Comment: ABCC8: BP4

Illumina Laboratory Services, Illumina
Classification: Uncertain significance for Permanent neonatal diabetes mellitus 1. Last evaluated: 2018-01-13. Review status: criteria provided, single submitter. Criteria: ICSL Variant Classification Criteria 13 December 2019. Collection method: clinical testing. Allele origin: germline.

Illumina Laboratory Services, Illumina
Classification: Uncertain significance for Hyperinsulinemic hypoglycemia, familial, 1. Last evaluated: 2018-01-13. Review status: criteria provided, single submitter. Criteria: ICSL Variant Classification Criteria 13 December 2019. Collection method: clinical testing. Allele origin: germline.

Illumina Laboratory Services, Illumina
Classification: Benign for Diabetes mellitus, transient neonatal, 2. Last evaluated: 2018-01-13. Review status: criteria provided, single submitter. Criteria: ICSL Variant Classification Criteria 13 December 2019. Collection method: clinical testing. Allele origin: germline.
Comment: This variant was observed in the ICSL laboratory as part of a predisposition screen in an ostensibly healthy population. It had not been previously curated by ICSL or reported in the Human Gene Mutation Database (HGMD: prior to June 1st, 2018), and was therefore a candidate for classification through an automated scoring system. Utilizing variant allele frequency, disease prevalence and penetrance estimates, and inheritance mode, an automated score was calculated to assess if this variant is too frequent to cause the disease. Based on the score and internal cut-off values, a variant classified as benign is not then subjected to further curation. The score for this variant resulted in a classification of benign for this disease.

NM_000352.6(ABCC8):c.4690A>G (p.Lys1564Glu)

Gene: ABCC8 (ATP binding cassette subfamily C member 8; minus strand). Cytogenetic location: 11p15.1.
Variant type: single nucleotide variant.
Coding change: c.4690A>G on transcript NM_000352.6 (MANE Select); coding-DNA position 4690, A replaced by G.
Protein change: p.Lys1564Glu; replaces lysine 1564 with glutamic acid.
Molecular consequence: missense variant. On other transcripts: non-coding transcript variant (1).
Genome position (GRCh38, 1-based): chr11:17,393,047, T>C on the plus strand (A>G on the coding strand, the complement: ABCC8 is on the minus strand). VCF-style: chr11-17393047-T-C. GRCh37 (hg19) VCF-style: chr11-17414594-T-C.
Other names: c.4693A>G, p.Lys1565Glu (NM_001287174.3); c.4756A>G, p.Lys1586Glu (NM_001351295.2); c.4690A>G, p.Lys1564Glu (NM_001351296.2); c.4687A>G, p.Lys1563Glu (NM_001351297.2); short protein forms K1564E, K1565E, K1586E, K1563E.
Identifiers: ClinVar variation 303747 (VCV000303747.15), dbSNP rs770317560, ClinGen allele CA5902382.